The following is an entry in ClinVar:

NM_006269.2(RP1):c.1007A>C (p.Lys336Thr)

Gene: RP1 (RP1 axonemal microtubule associated; plus strand). Cytogenetic location: 8q12.1.
Variant type: single nucleotide variant.
Coding change: c.1007A>C on transcript NM_006269.2 (MANE Select); coding-DNA position 1007, A replaced by C.
Protein change: p.Lys336Thr; replaces lysine 336 with threonine.
Molecular consequence: missense variant. On other transcripts: intron variant (1).
Genome position (GRCh38, 1-based): chr8:54,624,889, A>C. VCF-style: chr8-54624889-A-C. GRCh37 (hg19) VCF-style: chr8-55537449-A-C.
Other names: c.787+2601A>C (NM_001375654.1); short protein forms K336T.
Identifiers: ClinVar variation 2014090 (VCV002014090.4), dbSNP rs1585561638, ClinGen allele CA370989080.
Genomic context (GRCh38, chr8:54,624,889, plus strand): 5'-AAGATGATATTGAGAAATCAATTATTTTTAATCAAGACGGCACTATGACAGTTGAGATGA[A>C]AGTTCGATTCAGAATAAAAGAGGAAGAAACCATAAAATGGACAACTACTGTCAGTAAAAC-3'
Protein context (NP_006260.1, residues 326-346): NQDGTMTVEM[Lys336Thr]VRFRIKEEET

ClinVar aggregate classification (germline): Uncertain significance (1 of 4 stars; one submission).

Submission:

Labcorp Genetics (formerly Invitae), Labcorp
Classification: Uncertain significance. Last evaluated: 2022-07-05. Review status: criteria provided, single submitter. Criteria: Invitae Variant Classification Sherloc (09022015). Collection method: clinical testing. Allele origin: germline.
Comment: In summary, the available evidence is currently insufficient to determine the role of this variant in disease. Therefore, it has been classified as a Variant of Uncertain Significance. Algorithms developed to predict the effect of missense changes on protein structure and function (SIFT, PolyPhen-2, Align-GVGD) all suggest that this variant is likely to be disruptive. This variant has not been reported in the literature in individuals affected with RP1-related conditions. This variant is not present in population databases (gnomAD no frequency). This sequence change replaces lysine, which is basic and polar, with threonine, which is neutral and polar, at codon 336 of the RP1 protein (p.Lys336Thr).